The following is an entry in ClinVar:

ClinVar aggregate classification (germline): Pathogenic. Review status: criteria provided, multiple submitters, no conflicts (2 of 4 stars). 2 submissions from 2 submitters: Pathogenic (2). Last evaluated 2024-12-19.

Conditions:
Severe X-linked myotubular myopathy (CNMX). Also called: MYOTUBULAR MYOPATHY 1; Myotubular myopathy, X-linked; X-linked centronuclear myopathy. Identifiers: Orphanet 596, MedGen C0410203, MONDO:0010683, OMIM 310400.

Submissions (2):

Institute of Human Genetics Munich, TUM University Hospital
Classification: Pathogenic for Severe X-linked myotubular myopathy. Last evaluated: 2024-12-19. Review status: criteria provided, single submitter. Criteria: Classification criteria August 2017. Collection method: clinical testing. Allele origin: germline. Inheritance: X-linked inheritance. Affected: yes. Observed: 1 variant allele.

CeGaT Center for Human Genetics Tuebingen
Classification: Pathogenic. Last evaluated: 2023-03-01. Review status: criteria provided, single submitter. Criteria: CeGaT Center For Human Genetics Tuebingen Variant Classification Criteria Version 2. Collection method: clinical testing. Allele origin: germline. Affected: yes. Observed: 1 variant allele.
Comment: MTM1: PVS1, PM2, PS4:Supporting

NM_000252.3(MTM1):c.509_528dup (p.Gly177fs)

Gene: MTM1 (myotubularin 1; plus strand). Cytogenetic location: Xq28.
Variant type: Duplication.
Coding change: c.509_528dup on transcript NM_000252.3 (MANE Select); coding-DNA positions 509 to 528, 20 bases duplicated (TGGAAGAATACAGGAGGCAG).
Protein change: p.Gly177fs; shifts the reading frame from glycine 177.
Molecular consequence: frameshift variant.
Genome position (GRCh38, 1-based): chrX:150,639,007-150,639,026, TGGAAGAATACAGGAGGCAG duplicated; duplicating any 20 consecutive bases within chrX:150,639,004-150,639,026 gives the same sequence; the c. name uses the placement nearest the transcript's 3' end. VCF-style (leftmost placement, unchanged base first): chrX-150639003-C-CCAGTGGAAGAATACAGGAGG. GRCh37 (hg19) VCF-style: chrX-149807476-C-CCAGTGGAAGAATACAGGAGG.
Other names: c.509_528dup, p.Gly177fs (NM_001376906.1, NM_001376908.1); c.398_417dup, p.Gly140fs (NM_001376907.1); short protein forms G140fs, G177fs.
Identifiers: ClinVar variation 2499156 (VCV002499156.32), dbSNP rs2522350149, ClinGen allele CA2580101628.